The following is an entry in ClinVar:

ClinVar aggregate classification (germline): Uncertain significance (1 of 4 stars; one submission).

Allele frequency attached by ClinVar (database versions not stated): gnomAD exomes below 0.00001; TOPMed 0.00004.

Submission:

Labcorp Genetics (formerly Invitae), Labcorp
Classification: Uncertain significance. Last evaluated: 2022-11-08. Review status: criteria provided, single submitter. Criteria: Invitae Variant Classification Sherloc (09022015). Collection method: clinical testing. Allele origin: germline.
Comment: This sequence change replaces valine, which is neutral and non-polar, with methionine, which is neutral and non-polar, at codon 48 of the ADAMTS17 protein (p.Val48Met). In summary, the available evidence is currently insufficient to determine the role of this variant in disease. Therefore, it has been classified as a Variant of Uncertain Significance. Algorithms developed to predict the effect of missense changes on protein structure and function are either unavailable or do not agree on the potential impact of this missense change (SIFT: "Not Available"; PolyPhen-2: "Benign"; Align-GVGD: "Not Available"). ClinVar contains an entry for this variant (Variation ID: 1432656). This variant has not been reported in the literature in individuals affected with ADAMTS17-related conditions. The frequency data for this variant in the population databases is considered unreliable, as metrics indicate insufficient coverage at this position in the gnomAD database.

NM_139057.4(ADAMTS17):c.142G>A (p.Val48Met)

Gene: ADAMTS17 (ADAM metallopeptidase with thrombospondin type 1 motif 17; minus strand). Cytogenetic location: 15q26.3.
Variant type: single nucleotide variant.
Coding change: c.142G>A on transcript NM_139057.4 (MANE Select); coding-DNA position 142, G replaced by A.
Protein change: p.Val48Met; replaces valine 48 with methionine.
Molecular consequence: missense variant.
Genome position (GRCh38, 1-based): chr15:100,341,347, C>T on the plus strand (G>A on the coding strand, the complement: ADAMTS17 is on the minus strand). VCF-style: chr15-100341347-C-T. GRCh37 (hg19) VCF-style: chr15-100881552-C-T.
Other names: short protein forms V48M.
Identifiers: ClinVar variation 1432656 (VCV001432656.7), dbSNP rs927515672, ClinGen allele CA275938206.